The following is an entry in ClinVar:

ClinVar aggregate classification (germline): Likely benign. Review status: criteria provided, multiple submitters, no conflicts (2 of 4 stars). 4 submissions from 4 submitters: Likely benign (4). Last evaluated 2025-07-21.

Conditions:
RYR1-related disorder. Also called: RYR1-related condition; RYR1-related disorders. Identifiers: MedGen CN239331.
Malignant hyperthermia, susceptibility to, 1 (MHS1). Also called: Anesthesia related hyperthermia; Malignant hyperpyrexia; Fulminating hyperpyrexia; Pharmacogenic myopathy; RYR1-Related Malignant Hyperthermia Susceptibility; Malignant hyperthermia suceptibility 1. Identifiers: Orphanet 423, MedGen C2930980, MONDO:0007783, OMIM 145600.

Allele frequency attached by ClinVar (database versions not stated): gnomAD exomes 0.00001; ExAC 0.00002; gnomAD 0.00004 and 0.00019; TOPMed 0.00015.
gnomAD v4.1: 40 of 1,613,872 alleles (0.0025%); highest among the groups gnomAD compares: Admixed American, 0.0017%; no homozygotes.

Submissions (4):

Labcorp Genetics (formerly Invitae), Labcorp
Classification: Likely benign for RYR1-related disorder. Last evaluated: 2025-07-21. Review status: criteria provided, single submitter. Criteria: Invitae Variant Classification Sherloc (09022015). Collection method: clinical testing. Allele origin: germline.

Color Diagnostics, LLC DBA Color Health
Classification: Likely benign for Malignant hyperthermia, susceptibility to, 1. Last evaluated: 2024-03-06. Review status: criteria provided, single submitter. Criteria: ACMG Guidelines, 2015. Collection method: clinical testing. Allele origin: germline.

Blueprint Genetics
Classification: Likely benign. Last evaluated: 2022-09-08. Review status: criteria provided, single submitter. Criteria: ACMG Guidelines, 2015. Collection method: clinical testing. Allele origin: germline.

GeneDx
Classification: Likely benign. Last evaluated: 2017-10-23. Review status: criteria provided, single submitter. Criteria: GeneDx Variant Classification (06012015). Collection method: clinical testing. Allele origin: germline. Affected: yes.
Comment: This variant is considered likely benign or benign based on one or more of the following criteria: it is a conservative change, it occurs at a poorly conserved position in the protein, it is predicted to be benign by multiple in silico algorithms, and/or has population frequency not consistent with disease.

NM_000540.3(RYR1):c.8544C>G (p.Thr2848=)

Genes: RYR1 (ryanodine receptor 1; plus strand), LOC126862902 (BRD4-independent group 4 enhancer GRCh37_chr19:38995830-38997029; plus strand). Cytogenetic location: 19q13.2.
Variant type: single nucleotide variant.
Coding change: c.8544C>G on transcript NM_000540.3 (MANE Select); coding-DNA position 8544, C replaced by G.
Protein change: p.Thr2848=; no amino-acid change (threonine 2848 retained).
Molecular consequence: synonymous variant.
Genome position (GRCh38, 1-based): chr19:38,506,305, C>G. VCF-style: chr19-38506305-C-G. GRCh37 (hg19) VCF-style: chr19-38996945-C-G.
Other names: c.8544C>G, p.Thr2848= (NM_001042723.2).
Identifiers: ClinVar variation 512822 (VCV000512822.10), dbSNP rs757718303, ClinGen allele CA072280.